The following is an entry in ClinVar:

ClinVar aggregate classification (germline): Likely pathogenic. Review status: criteria provided, multiple submitters, no conflicts (2 of 4 stars). 3 submissions from 3 submitters: Likely pathogenic (3). Last evaluated 2024-06-08.

Conditions:
Hereditary cancer-predisposing syndrome. Also called: Neoplastic Syndromes, Hereditary; Hereditary Cancer Syndrome; Tumor predisposition; Hereditary neoplastic syndrome. Identifiers: Orphanet 140162, MedGen C0027672, MeSH D009386, MONDO:0015356.
Tuberous sclerosis 2 (TSC2). Identifiers: Orphanet 805, MedGen C1860707, MONDO:0013199, OMIM 613254.

Submissions (3):

Labcorp Genetics (formerly Invitae), Labcorp
Classification: Likely pathogenic for Tuberous sclerosis 2. Last evaluated: 2024-06-08. Review status: criteria provided, single submitter. Criteria: Invitae Variant Classification Sherloc (09022015). Collection method: clinical testing. Allele origin: germline.
Comment: This sequence change affects an acceptor splice site in intron 8 of the TSC2 gene. It is expected to disrupt RNA splicing. Variants that disrupt the donor or acceptor splice site typically lead to a loss of protein function (PMID: 16199547), and loss-of-function variants in TSC2 are known to be pathogenic (PMID: 10205261, 17304050). This variant is not present in population databases (gnomAD no frequency). This variant has not been reported in the literature in individuals affected with TSC2-related conditions. ClinVar contains an entry for this variant (Variation ID: 1705534). Algorithms developed to predict the effect of sequence changes on RNA splicing suggest that this variant may disrupt the consensus splice site. In summary, the currently available evidence indicates that the variant is pathogenic, but additional data are needed to prove that conclusively. Therefore, this variant has been classified as Likely Pathogenic.

3billion
Classification: Likely pathogenic for Tuberous sclerosis 2. Last evaluated: 2022-09-01. Review status: criteria provided, single submitter. Criteria: ACMG Guidelines, 2015. Collection method: clinical testing. Allele origin: germline. Affected: yes. Observed: 1 heterozygote.
Comment: The variant is not observed in the gnomAD v2.1.1 dataset. Canonical splice site is predicted to alter splicing and result in a loss or disruption of normal protein function. Multiple pathogenic loss-of-function variants are reported downstream of the variant. Therefore, this variant is classified as Likely pathogenic according to the recommendation of ACMG/AMP guideline.

Ambry Genetics
Classification: Likely pathogenic for Hereditary cancer-predisposing syndrome. Last evaluated: 2018-08-16. Review status: criteria provided, single submitter. Criteria: Ambry Variant Classification Scheme 2023. Collection method: clinical testing. Allele origin: germline.
Comment: The c.775-2A>G intronic variant results from an A to G substitution two nucleotides upstream from coding exon 8 in the TSC2 gene. This nucleotide position is highly conserved in available vertebrate species. Using the ESEfinder splice site prediction tool, this alteration is predicted to abolish the native splice acceptor site. Using the Human Splicing Finder (HSF) splice site prediction tool, this alteration is predicted to weaken, but not abolish, the native splice acceptor site; however, direct evidence is unavailable (Desmet FO et al. Nucleic Acids Res. 2009 May;37:e67). Alterations that disrupt the canonical splice site are expected to cause aberrant splicing, resulting in an abnormal protein or a transcript that is subject to nonsense-mediated mRNA decay. As such, this alteration is classified as likely pathogenic

Literature cited by the submitters: PubMed 16199547 (cited by Labcorp Genetics (formerly Invitae), Labcorp); PubMed 10205261 (cited by Labcorp Genetics (formerly Invitae), Labcorp); PubMed 17304050 (cited by Labcorp Genetics (formerly Invitae), Labcorp).

NM_000548.5(TSC2):c.775-2A>G

Gene: TSC2 (TSC complex subunit 2; plus strand). Cytogenetic location: 16p13.3.
Variant type: single nucleotide variant.
Coding change: c.775-2A>G on transcript NM_000548.5 (MANE Select); the canonical splice acceptor site of the intron before coding-DNA position 775, A replaced by G.
Molecular consequence: splice acceptor variant.
Genome position (GRCh38, 1-based): chr16:2,057,103, A>G. VCF-style: chr16-2057103-A-G. GRCh37 (hg19) VCF-style: chr16-2107104-A-G.
Other names: c.775-2A>G (NM_001406664.1, NM_021055.3, NM_001370405.1 and 7 more transcripts); c.-538-2A>G (NM_001406694.1, NM_001406695.1); c.-657-2A>G (NM_001406696.1, NM_001406693.1, NM_001406689.1 and 4 more transcripts); c.763-2A>G (NM_001406671.1, NM_001406673.1); c.313-2A>G (NM_001406681.1); c.664-2A>G (NM_001406670.1, NM_001318827.2, NM_001406678.1); c.175-2A>G (NM_001406682.1, NM_001406684.1, NM_001406685.1 and 6 more transcripts); c.718-2A>G (NM_001406677.1); and 4 more.
Identifiers: ClinVar variation 1705534 (VCV001705534.5), dbSNP rs2548472327, ClinGen allele CA394312923.